The following is an entry in ClinVar:

ClinVar aggregate classification (germline): Benign. Review status: criteria provided, multiple submitters, no conflicts (2 of 4 stars). 7 submissions from 7 submitters: Benign (6). 1 of the submissions does not count toward it. Last evaluated 2018-11-15.

Conditions:
Medium-chain acyl-coenzyme A dehydrogenase deficiency (ACADMD). Also called: CARNITINE DEFICIENCY SECONDARY TO MEDIUM-CHAIN ACYL-CoA DEHYDROGENASE DEFICIENCY; MCADD; Medium chain acyl-CoA dehydrogenase deficiency; MCAD Deficiency; MCADH DEFICIENCY; ACADM DEFICIENCY. Identifiers: Orphanet 42, MedGen C0220710, MONDO:0008721, OMIM 201450.

Allele frequency attached by ClinVar (database versions not stated): gnomAD exomes 0.02582 and 0.02916; ExAC 0.02925; 1000 Genomes Project 0.04034; 1000 Genomes Project 30x 0.04279; gnomAD 0.04945 and 0.05213; TOPMed 0.05277; ESP Exome Variant Server 0.05497.
gnomAD v4.1: 47,801 of 1,535,728 alleles (3.1%); highest among the groups gnomAD compares: African/African-American, 11%; 1,086 homozygotes.

Submissions (7):

ARUP Laboratories, Molecular Genetics and Genomics, ARUP Laboratories
Classification: Benign for Medium-chain acyl-coenzyme A dehydrogenase deficiency. Last evaluated: 2018-11-15. Review status: criteria provided, single submitter. Criteria: ARUP Molecular Germline Variant Investigation Process. Collection method: clinical testing. Allele origin: germline.

Illumina Laboratory Services, Illumina
Classification: Benign for Medium-chain acyl-coenzyme A dehydrogenase deficiency. Last evaluated: 2018-01-13. Review status: criteria provided, single submitter. Criteria: ICSL Variant Classification Criteria 13 December 2019. Collection method: clinical testing. Allele origin: germline.
Comment: This variant was observed in the ICSL laboratory as part of a predisposition screen in an ostensibly healthy population. It had not been previously curated by ICSL or reported in the Human Gene Mutation Database (HGMD: prior to June 1st, 2018), and was therefore a candidate for classification through an automated scoring system. Utilizing variant allele frequency, disease prevalence and penetrance estimates, and inheritance mode, an automated score was calculated to assess if this variant is too frequent to cause the disease. Based on the score and internal cut-off values, a variant classified as benign is not then subjected to further curation. The score for this variant resulted in a classification of benign for this disease.

Eurofins Ntd Llc (ga)
Classification: Benign. Last evaluated: 2015-10-01. Review status: criteria provided, single submitter. Criteria: EGL Classification Definitions 2015. Collection method: clinical testing. Allele origin: germline. Observed: 4 variant alleles, 4 heterozygotes.

GeneDx
Classification: Benign. Last evaluated: 2013-05-29. Review status: criteria provided, single submitter. Criteria: GeneDx Variant Classification (06012015). Collection method: clinical testing. Allele origin: germline. Affected: yes.
Comment: This variant is considered likely benign or benign based on one or more of the following criteria: it is a conservative change, it occurs at a poorly conserved position in the protein, it is predicted to be benign by multiple in silico algorithms, and/or has population frequency not consistent with disease.

Breakthrough Genomics
Classification: Benign. Review status: criteria provided, single submitter. Criteria: ACMG Guidelines, 2015. Collection method: not provided. Allele origin: germline. Inheritance: Autosomal recessive inheritance. Affected: yes.

PreventionGenetics, part of Exact Sciences
Classification: Benign. Review status: criteria provided, single submitter. Criteria: ACMG Guidelines, 2015. Collection method: clinical testing. Allele origin: germline.

Natera, Inc.
Classification: Benign for Medium-chain acyl-coenzyme a dehydrogenase deficiency. Last evaluated: 2020-09-16. Review status: no assertion criteria provided. Collection method: clinical testing. Allele origin: germline. Not counted in ClinVar's aggregate classification.

NM_000016.6(ACADM):c.-34T>C

Gene: ACADM (acyl-CoA dehydrogenase medium chain; plus strand). Cytogenetic location: 1p31.1.
Variant type: single nucleotide variant.
Coding change: c.-34T>C on transcript NM_000016.6 (MANE Select); 34 bases upstream of the start codon, T replaced by C.
Molecular consequence: 5 prime UTR variant.
Genome position (GRCh38, 1-based): chr1:75,724,754, T>C. VCF-style: chr1-75724754-T-C. GRCh37 (hg19) VCF-style: chr1-76190439-T-C.
Other names: c.-34T>C (NM_001127328.3, NM_001286043.2); c.-54T>C (NM_001286042.2); c.-331T>C (NM_001286044.2).
Identifiers: ClinVar variation 136258 (VCV000136258.19), dbSNP rs59932454, ClinGen allele CA289252.